The following is an entry in ClinVar:

NM_032043.3(BRIP1):c.1495del (p.Gln499fs)

Gene: BRIP1 (BRCA1 interacting DNA helicase 1; minus strand). Cytogenetic location: 17q23.2.
Variant type: Deletion.
Coding change: c.1495del on transcript NM_032043.3 (MANE Select); coding-DNA position 1495, one base deleted (C; older notation c.1495delC).
Protein change: p.Gln499fs; shifts the reading frame from glutamine 499.
Molecular consequence: frameshift variant.
Genome position (GRCh38, 1-based): chr17:61,784,403, G deleted on the plus strand (C on the coding strand, the reverse complement: BRIP1 is on the minus strand). VCF-style (leftmost placement, unchanged base first): chr17-61784402-TG-T. GRCh37 (hg19) VCF-style: chr17-59861763-TG-T.
Other names: short protein forms Q499fs.
Identifiers: ClinVar variation 4786291 (VCV004786291.1).
Genomic context (GRCh38, chr17:61,784,402, plus strand): 5'-ATAACAGGTACTTCTCTTGCCTCCTCTTTACCATAAATTGGTGAGATTTTTTCCTCTTTT[TG>T]AAGAACAGCAGAAAAATGTCCCTATAAGAAATTACCATATTAAGTATAGAGGGGTTGGGA-3'

ClinVar aggregate classification (germline): Pathogenic (1 of 4 stars; one submission).

Conditions:
Fanconi anemia complementation group J. Also called: BRIP1-Related Fanconi Anemia. Identifiers: Orphanet 84, MedGen C1836860, MONDO:0012187, OMIM 609054.
Familial cancer of breast. Also called: BREAST CANCER, FAMILIAL; Hereditary breast cancer; hereditary breast carcinoma. Identifiers: Orphanet 227535, MedGen C0346153, MONDO:0016419, OMIM 114480. Disease mechanism: loss of function.

Submission:

Labcorp Genetics (formerly Invitae), Labcorp
Classification: Pathogenic for Familial cancer of breast; Fanconi anemia complementation group J. Last evaluated: 2025-10-03. Review status: criteria provided, single submitter. Criteria: Invitae Variant Classification Sherloc (09022015). Collection method: clinical testing. Allele origin: germline.
Comment: This sequence change creates a premature translational stop signal (p.Gln499Lysfs*27) in the BRIP1 gene. It is expected to result in an absent or disrupted protein product. Loss-of-function variants in BRIP1 are known to be pathogenic (PMID: 16116423, 17033622, 21964575). This variant is not present in population databases (gnomAD no frequency). This variant has not been reported in the literature in individuals affected with BRIP1-related conditions. Algorithms developed to predict the effect of sequence changes on RNA splicing suggest that this variant may disrupt the consensus splice site. For these reasons, this variant has been classified as Pathogenic.

Literature cited by the submitters: PubMed 16116423; PubMed 17033622; PubMed 21964575.